The following is an entry in ClinVar:

NM_001080394.4(SPIDR):c.902_903del (p.Val301fs)

Gene: SPIDR (scaffold protein involved in DNA repair; plus strand). Cytogenetic location: 8q11.21.
Variant type: Microsatellite.
Coding change: c.902_903del on transcript NM_001080394.4 (MANE Select); coding-DNA positions 902 to 903, 2 bases deleted (TG; older notation c.902_903delTG).
Protein change: p.Val301fs; shifts the reading frame from valine 301.
Molecular consequence: frameshift variant. On other transcripts: 5 prime UTR variant (6), non-coding transcript variant (5).
Genome position (GRCh38, 1-based): chr8:47,440,347-47,440,348, TG deleted; deleting any 2 consecutive bases within chr8:47,440,345-47,440,348 gives the same sequence; the c. name uses the placement nearest the transcript's 3' end. VCF-style (leftmost placement, unchanged base first): chr8-47440344-CTG-C. GRCh37 (hg19) VCF-style: chr8-48352906-CTG-C.
Other names: c.902_903delTG (NM_001352931.1); c.692_693del, p.Val231fs (NM_001282916.1, NM_001352935.1, NM_001352936.1); c.722_723del, p.Val241fs (NM_001282919.1, NM_001352933.1, NM_001352937.1); c.902_903del, p.Val301fs (NM_001352931.1, NM_001352934.1, NM_001352961.1); c.782_783del, p.Val261fs (NM_001352932.1); c.410_411del, p.Val137fs (NM_001352938.1, NM_001352939.1, NM_001352940.1 and 2 more transcripts); c.386_387del, p.Val129fs (NM_001352941.1, NM_001352944.1); c.245_246del, p.Val82fs (NM_001352942.1, NM_001352949.1); and 4 more; short protein forms V129fs, V137fs, V231fs, V241fs, V261fs, V301fs, V51fs, V59fs.
Identifiers: ClinVar variation 4277381 (VCV004277381.1).

ClinVar aggregate classification (germline): Likely pathogenic (1 of 4 stars; one submission).

Conditions:
Ovarian dysgenesis 9. Identifiers: MedGen C5562046, MONDO:0030506, OMIM 619665.

Submission:

Center of Human Genetics, Hôpital Erasme
Classification: Likely pathogenic for Ovarian dysgenesis 9. Last evaluated: 2025-09-05. Review status: criteria provided, single submitter. Criteria: ACMG Guidelines, 2015. Collection method: clinical testing. Allele origin: germline. Inheritance: Autosomal recessive inheritance. Affected: yes. Observed: 1 homozygote.
Comment: This variant is present in 6 heterozygous carrier in gnomAD (v4.1.0) (AF of 0.0003717%). This variant has not been described in the litterature but others truncating variants (Arg272*, Trp280* et Glu668*) have been reported in the homozygous state in patient affected by premature ovarian insufficiency and ovarian dysgenesis (PMID: 34697795, 27967308 et 35115167). For this reason, the c.902_903delTG p.(Val301fs) variant is classify as probably pathogenic (Class IV).